The following is an entry in ClinVar:

NM_017780.4(CHD7):c.6468C>T (p.Val2156=)

Gene: CHD7 (chromodomain helicase DNA binding protein 7; plus strand). Cytogenetic location: 8q12.2.
Variant type: single nucleotide variant.
Coding change: c.6468C>T on transcript NM_017780.4 (MANE Select); coding-DNA position 6468, C replaced by T.
Protein change: p.Val2156=; no amino-acid change (valine 2156 retained).
Molecular consequence: synonymous variant. On other transcripts: intron variant (1).
Genome position (GRCh38, 1-based): chr8:60,853,193, C>T. VCF-style: chr8-60853193-C-T. GRCh37 (hg19) VCF-style: chr8-61765752-C-T.
Other names: c.1717-9036C>T (NM_001316690.1).
Identifiers: ClinVar variation 695939 (VCV000695939.20), dbSNP rs777858802, ClinGen allele CA4760594.

ClinVar aggregate classification (germline): Benign/Likely benign. Review status: criteria provided, multiple submitters, no conflicts (2 of 4 stars). 7 submissions from 7 submitters: Benign (2); Likely benign (5). Last evaluated 2026-06-01.

Conditions:
CHARGE syndrome (CHARGE). Also called: Coloboma, heart anomaly, choanal atresia, retardation, genital and ear anomalies; CHARGE association; Hall-Hittner syndrome; Hittner Hirsch Kreh syndrome; CHARGE ASSOCIATION--COLOBOMA, HEART ANOMALY, CHOANAL ATRESIA, RETARDATION, GENITAL AND EAR ANOMALIES. Identifiers: Orphanet 138, MedGen C0265354, MONDO:0008965.
Inborn genetic diseases. Identifiers: MedGen C0950123, MeSH D030342.
Hypogonadotropic hypogonadism 5 with or without anosmia (KAL5). Also called: HYPOGONADOTROPIC HYPOGONADISM 5 WITH ANOSMIA; HYPOGONADOTROPHIC HYPOGONADISM 5 WITHOUT ANOSMIA; CHD7-Related GnRH Deficiency (Kallmann Syndrome 5). Identifiers: Orphanet 478, MedGen C3552553, MONDO:0012880, OMIM 612370. Disease mechanism: loss of function.

Allele frequency attached by ClinVar (database versions not stated): gnomAD 0.00003; TOPMed 0.00012; ExAC 0.00015; gnomAD exomes 0.00018.
gnomAD v4.1: 37 of 1,613,810 alleles (0.0023%); highest among the groups gnomAD compares: East Asian, 0.078%; no homozygotes.

Submissions (7):

CeGaT Center for Human Genetics Tuebingen
Classification: Likely benign. Last evaluated: 2026-06-01. Review status: criteria provided, single submitter. Criteria: CeGaT Center For Human Genetics Tuebingen Variant Classification Criteria Version 2. Collection method: clinical testing. Allele origin: germline. Affected: yes. Observed: 1 variant allele.
Comment: CHD7: BP4

Labcorp Genetics (formerly Invitae), Labcorp
Classification: Benign for CHARGE syndrome. Last evaluated: 2025-10-17. Review status: criteria provided, single submitter. Criteria: Invitae Variant Classification Sherloc (09022015). Collection method: clinical testing. Allele origin: germline.

Ambry Genetics
Classification: Likely benign for Inborn genetic diseases. Last evaluated: 2025-03-09. Review status: criteria provided, single submitter. Criteria: Ambry Variant Classification Scheme 2023. Collection method: clinical testing. Allele origin: germline.

Blueprint Genetics
Classification: Likely benign. Last evaluated: 2023-09-27. Review status: criteria provided, single submitter. Criteria: ACMG Guidelines, 2015. Collection method: clinical testing. Allele origin: germline.

Fulgent Genetics
Classification: Likely benign for CHD7-related CHARGE syndrome; Hypogonadotropic hypogonadism 5 with or without anosmia. Last evaluated: 2022-04-01. Review status: criteria provided, single submitter. Criteria: ACMG Guidelines, 2015. Collection method: clinical testing. Allele origin: unknown.

GeneDx
Classification: Benign. Last evaluated: 2020-12-03. Review status: criteria provided, single submitter. Criteria: GeneDx Variant Classification Process June 2021. Collection method: clinical testing. Allele origin: germline. Affected: yes.

Laboratory for Molecular Medicine, Mass General Brigham Personalized Medicine
Classification: Likely benign. Last evaluated: 2017-08-23. Review status: criteria provided, single submitter. Criteria: LMM Criteria. Collection method: clinical testing. Allele origin: germline. Observed: 1 variant allele.
Comment: p.Val2156Val in exon 31 of CHD7: This variant is not expected to have clinical significance because it does not alter an amino acid residue and is not located within the splice consensus sequence. It has been identified in 0.21% (18/8556) of East Asian chromosomes by the Exome Aggregation Consortium (ExAC; dbSNP rs777858802).